The following is an entry in ClinVar:

ClinVar aggregate classification (germline): Benign. Review status: criteria provided, multiple submitters, no conflicts (2 of 4 stars). 5 submissions from 5 submitters: Benign (5). Last evaluated 2026-02-04.

Conditions:
Fraser syndrome 1 (FRASRS1). Also called: CRYPTOPHTHALMOS WITH OTHER MALFORMATIONS. Identifiers: Orphanet 2052, MedGen C4551480, MONDO:0054737, OMIM 219000.

Allele frequency attached by ClinVar (database versions not stated): gnomAD 0.14022 and 0.14412; ESP Exome Variant Server 0.15695; 1000 Genomes Project 0.07967; 1000 Genomes Project 30x 0.07901; ExAC 0.13830; TOPMed 0.13560.
gnomAD v4.1: 290,435 of 1,612,772 alleles (18%); highest among the groups gnomAD compares: Non-Finnish European, 21%; 29,451 homozygotes.

Submissions (5):

Labcorp Genetics (formerly Invitae), Labcorp
Classification: Benign. Last evaluated: 2026-02-04. Review status: criteria provided, single submitter. Criteria: Invitae Variant Classification Sherloc (09022015). Collection method: clinical testing. Allele origin: germline.

Mayo Clinic Laboratories, Mayo Clinic
Classification: Benign. Last evaluated: 2022-03-09. Review status: criteria provided, single submitter. Criteria: ACMG Guidelines, 2015. Collection method: clinical testing. Allele origin: germline. Observed: 19 variant alleles.

Illumina Laboratory Services, Illumina
Classification: Benign for Fraser syndrome 1. Last evaluated: 2018-01-13. Review status: criteria provided, single submitter. Criteria: ICSL Variant Classification Criteria 13 December 2019. Collection method: clinical testing. Allele origin: germline.
Comment: This variant was observed in the ICSL laboratory as part of a predisposition screen in an ostensibly healthy population. It had not been previously curated by ICSL or reported in the Human Gene Mutation Database (HGMD: prior to June 1st, 2018), and was therefore a candidate for classification through an automated scoring system. Utilizing variant allele frequency, disease prevalence and penetrance estimates, and inheritance mode, an automated score was calculated to assess if this variant is too frequent to cause the disease. Based on the score and internal cut-off values, a variant classified as benign is not then subjected to further curation. The score for this variant resulted in a classification of benign for this disease.

Breakthrough Genomics
Classification: Benign. Review status: criteria provided, single submitter. Criteria: ACMG Guidelines, 2015. Collection method: not provided. Allele origin: germline. Inheritance: Autosomal recessive inheritance. Affected: yes.

PreventionGenetics, part of Exact Sciences
Classification: Benign. Review status: criteria provided, single submitter. Criteria: ACMG Guidelines, 2015. Collection method: clinical testing. Allele origin: germline.

NM_025074.7(FRAS1):c.10153T>G (p.Tyr3385Asp)

Gene: FRAS1 (Fraser extracellular matrix complex subunit 1; plus strand). Cytogenetic location: 4q21.21.
Variant type: single nucleotide variant.
Coding change: c.10153T>G on transcript NM_025074.7 (MANE Select); coding-DNA position 10153, T replaced by G.
Protein change: p.Tyr3385Asp; replaces tyrosine 3385 with aspartic acid.
Molecular consequence: missense variant.
Genome position (GRCh38, 1-based): chr4:78,513,531, T>G. VCF-style: chr4-78513531-T-G. GRCh37 (hg19) VCF-style: chr4-79434685-T-G.
Other names: p.Tyr3385Asp; short protein forms Y3385D.
Identifiers: ClinVar variation 261794 (VCV000261794.15), dbSNP rs35933858, ClinGen allele CA2978870.